The following is an entry in ClinVar:

ClinVar aggregate classification (germline): Uncertain significance (1 of 4 stars; one submission).

Conditions:
RASopathy. Also called: rasopathies; Noonan spectrum disorder. Identifiers: Orphanet 536391, MedGen C5555857, MONDO:0021060.

gnomAD v4.1: 6 of 1,614,228 alleles (0.00037%); highest among the groups gnomAD compares: Non-Finnish European, 0.00051%; no homozygotes.

Submission:

Labcorp Genetics (formerly Invitae), Labcorp
Classification: Uncertain significance for RASopathy. Last evaluated: 2024-01-14. Review status: criteria provided, single submitter. Criteria: Invitae Variant Classification Sherloc (09022015). Collection method: clinical testing. Allele origin: germline.
Comment: This sequence change replaces serine, which is neutral and polar, with phenylalanine, which is neutral and non-polar, at codon 849 of the CBL protein (p.Ser849Phe). This variant is not present in population databases (gnomAD no frequency). This variant has not been reported in the literature in individuals affected with CBL-related conditions. Advanced modeling of protein sequence and biophysical properties (such as structural, functional, and spatial information, amino acid conservation, physicochemical variation, residue mobility, and thermodynamic stability) performed at Invitae indicates that this missense variant is not expected to disrupt CBL protein function with a negative predictive value of 95%. In summary, the available evidence is currently insufficient to determine the role of this variant in disease. Therefore, it has been classified as a Variant of Uncertain Significance.

NM_005188.4(CBL):c.2546C>T (p.Ser849Phe)

Gene: CBL (Cbl proto-oncogene; plus strand). Cytogenetic location: 11q23.3.
Variant type: single nucleotide variant.
Coding change: c.2546C>T on transcript NM_005188.4 (MANE Select); coding-DNA position 2546, C replaced by T.
Protein change: p.Ser849Phe; replaces serine 849 with phenylalanine.
Molecular consequence: missense variant.
Genome position (GRCh38, 1-based): chr11:119,299,606, C>T. VCF-style: chr11-119299606-C-T. GRCh37 (hg19) VCF-style: chr11-119170316-C-T.
Other names: short protein forms S849F.
Identifiers: ClinVar variation 2794074 (VCV002794074.3), dbSNP rs2496975878, ClinGen allele CA382932550.